The following is an entry in ClinVar:

NM_001375524.1(TRRAP):c.9423T>A (p.Ala3141=)

Gene: TRRAP (transformation/transcription domain associated protein; plus strand). Cytogenetic location: 7q22.1.
Variant type: single nucleotide variant.
Coding change: c.9423T>A on transcript NM_001375524.1 (MANE Select); coding-DNA position 9423, T replaced by A.
Protein change: p.Ala3141=; no amino-acid change (alanine 3141 retained).
Molecular consequence: synonymous variant.
Genome position (GRCh38, 1-based): chr7:98,988,798, T>A. VCF-style: chr7-98988798-T-A. GRCh37 (hg19) VCF-style: chr7-98586421-T-A.
Other names: c.9348T>A (NM_003496.3); c.9435T>A, p.Ala3145= (NM_001244580.2); c.9348T>A, p.Ala3116= (NM_003496.4).
Identifiers: ClinVar variation 2167931 (VCV002167931.6), dbSNP rs183481033, ClinGen allele CA4361714.

ClinVar aggregate classification (germline): Likely benign. Review status: criteria provided, multiple submitters, no conflicts (2 of 4 stars). 3 submissions from 3 submitters: Likely benign (3). Last evaluated 2026-02-09.

Conditions:
TRRAP-related disorder. Also called: TRRAP-related condition.

Allele frequency attached by ClinVar (database versions not stated): ExAC 0.00002; gnomAD exomes 0.00002; 1000 Genomes Project 30x 0.00016; TOPMed 0.00019; 1000 Genomes Project 0.00020; gnomAD 0.00023.
gnomAD v4.1: 64 of 1,614,224 alleles (0.004%); highest among the groups gnomAD compares: African/African-American, 0.063%; no homozygotes.

Submissions (3):

PreventionGenetics, part of Exact Sciences
Classification: Likely benign for TRRAP-related condition. Last evaluated: 2026-02-09. Review status: criteria provided, single submitter. Criteria: ACMG Guidelines, 2015. Collection method: clinical testing. Allele origin: germline.
Comment: This variant is classified as likely benign based on ACMG/AMP sequence variant interpretation guidelines (Richards et al. 2015 PMID: 25741868, with internal and published modifications).

Labcorp Genetics (formerly Invitae), Labcorp
Classification: Likely benign. Last evaluated: 2025-09-27. Review status: criteria provided, single submitter. Criteria: Invitae Variant Classification Sherloc (09022015). Collection method: clinical testing. Allele origin: germline.

Blueprint Genetics
Classification: Likely benign. Last evaluated: 2024-05-21. Review status: criteria provided, single submitter. Criteria: ACMG Guidelines, 2015. Collection method: clinical testing. Allele origin: germline.